The following is an entry in ClinVar:

NM_013275.6(ANKRD11):c.6396C>G (p.Asp2132Glu)

Gene: ANKRD11 (ankyrin repeat domain 11; minus strand). Cytogenetic location: 16q24.3.
Variant type: single nucleotide variant.
Coding change: c.6396C>G on transcript NM_013275.6 (MANE Select); coding-DNA position 6396, C replaced by G.
Protein change: p.Asp2132Glu; replaces aspartic acid 2132 with glutamic acid.
Molecular consequence: missense variant.
Genome position (GRCh38, 1-based): chr16:89,280,146, G>C on the plus strand (C>G on the coding strand, the complement: ANKRD11 is on the minus strand). VCF-style: chr16-89280146-G-C. GRCh37 (hg19) VCF-style: chr16-89346554-G-C.
Other names: c.6396C>G, p.Asp2132Glu (NM_001256182.2, NM_001256183.2); short protein forms D2132E.
Identifiers: ClinVar variation 3631336 (VCV003631336.2).

ClinVar aggregate classification (germline): Uncertain significance (1 of 4 stars; one submission).

Conditions:
KBG syndrome (KBGS). Also called: ANKRD11-Related KBG Syndrome. Identifiers: Orphanet 2332, MedGen C0220687, MONDO:0007846, OMIM 148050.

gnomAD v4.1: 5 of 1,610,896 alleles (0.00031%); highest among the groups gnomAD compares: Admixed American, 0.0084%; no homozygotes.

Submission:

Labcorp Genetics (formerly Invitae), Labcorp
Classification: Uncertain significance for KBG syndrome. Last evaluated: 2026-01-18. Review status: criteria provided, single submitter. Criteria: Invitae Variant Classification Sherloc (09022015). Collection method: clinical testing. Allele origin: germline.
Comment: This sequence change replaces aspartic acid, which is acidic and polar, with glutamic acid, which is acidic and polar, at codon 2132 of the ANKRD11 protein (p.Asp2132Glu). This variant is present in population databases (no rsID available, gnomAD 0.02%). This variant has not been reported in the literature in individuals affected with ANKRD11-related conditions. ClinVar contains an entry for this variant (Variation ID: 3631336). Invitae Evidence Modeling of protein sequence and biophysical properties (such as structural, functional, and spatial information, amino acid conservation, physicochemical variation, residue mobility, and thermodynamic stability) indicates that this missense variant is not expected to disrupt ANKRD11 protein function with a negative predictive value of 95%. In summary, the available evidence is currently insufficient to determine the role of this variant in disease. Therefore, it has been classified as a Variant of Uncertain Significance.